The following is an entry in ClinVar:

NM_001378454.1(ALMS1):c.8123T>C (p.Met2708Thr)

Gene: ALMS1 (ALMS1 centrosome and basal body associated protein; plus strand). Cytogenetic location: 2p13.1.
Variant type: single nucleotide variant.
Coding change: c.8123T>C on transcript NM_001378454.1 (MANE Select); coding-DNA position 8123, T replaced by C.
Protein change: p.Met2708Thr; replaces methionine 2708 with threonine.
Molecular consequence: missense variant.
Genome position (GRCh38, 1-based): chr2:73,490,082, T>C. VCF-style: chr2-73490082-T-C. GRCh37 (hg19) VCF-style: chr2-73717209-T-C.
Other names: c.8126T>C, p.Met2709Thr (NM_015120.4); short protein forms M2708T, M2709T.
Identifiers: ClinVar variation 3226632 (VCV003226632.1), dbSNP rs1672943992, ClinGen allele CA347267533.
Genomic context (GRCh38, chr2:73,490,082, plus strand): 5'-TTGTGCCACCTAAAGAAGTGGATTTTCATTCTTCATCACAAATGCCGTCCCCAGAACCCA[T>C]GAAAAAGTTTACTACCTCCATCACTTTTTCATCTCACCGACATTCTAAATGCATTTCCAA-3'
Protein context (NP_001365383.1, residues 2698-2718): SSSQMPSPEP[Met2708Thr]KKFTTSITFS

ClinVar aggregate classification (germline): Uncertain significance (1 of 4 stars; one submission).

Conditions:
Cardiovascular phenotype. Identifiers: MedGen CN230736.

Submission:

Ambry Genetics
Classification: Uncertain significance for Cardiovascular phenotype. Last evaluated: 2024-01-11. Review status: criteria provided, single submitter. Criteria: Ambry Variant Classification Scheme 2023. Collection method: clinical testing. Allele origin: germline.
Comment: The p.M2709T variant (also known as c.8126T>C), located in coding exon 10 of the ALMS1 gene, results from a T to C substitution at nucleotide position 8126. The methionine at codon 2709 is replaced by threonine, an amino acid with similar properties. This amino acid position is poorly conserved in available vertebrate species. In addition, this alteration is predicted to be tolerated by in silico analysis. Since supporting evidence is limited at this time, the clinical significance of this alteration remains unclear.